The following is an entry in ClinVar:

NM_004667.6(HERC2):c.9583A>G (p.Ile3195Val)

Gene: HERC2 (HECT and RLD domain containing E3 ubiquitin protein ligase 2; minus strand). Cytogenetic location: 15q13.1.
Variant type: single nucleotide variant.
Coding change: c.9583A>G on transcript NM_004667.6 (MANE Select); coding-DNA position 9583, A replaced by G.
Protein change: p.Ile3195Val; replaces isoleucine 3195 with valine.
Molecular consequence: missense variant.
Genome position (GRCh38, 1-based): chr15:28,176,531, T>C on the plus strand (A>G on the coding strand, the complement: HERC2 is on the minus strand). VCF-style: chr15-28176531-T-C. GRCh37 (hg19) VCF-style: chr15-28421677-T-C.
Other names: c.9583A>G (NM_004667.4); short protein forms I3195V.
Identifiers: ClinVar variation 2626881 (VCV002626881.2), dbSNP rs760187120, ClinGen allele CA7441123.
Genomic context (GRCh38, chr15:28,176,531, plus strand): 5'-GAGCTCCACACTCAATCTGGCACACCCCCTGTCCATTTAGTCTCTCAATGTTCTGGGGAA[T>C]GTTACAGCCTTCACTTCCGCCCCGGCCCAGTTTTCCAAAGTCACCATCACCCCAGGAAAA-3'
Protein context (NP_004658.3, residues 3185-3205): LGRGGSEGCN[Ile3195Val]PQNIERLNGQ

ClinVar aggregate classification (germline): Conflicting classifications of pathogenicity. Review status: criteria provided, conflicting classifications (1 of 4 stars). 2 submissions from 2 submitters: Uncertain significance (1); Likely benign (1). Last evaluated 2025-04-03.

Conditions:
Inborn genetic diseases. Identifiers: MedGen C0950123, MeSH D030342.

Allele frequency attached by ClinVar (database versions not stated): gnomAD 0.00002; gnomAD exomes 0.00002; TOPMed 0.00002; ExAC 0.00005.
gnomAD v4.1: 34 of 1,614,066 alleles (0.0021%); highest among the groups gnomAD compares: Middle Eastern, 0.033%; no homozygotes.

Submissions (2):

Ambry Genetics
Classification: Likely benign for Inborn genetic diseases. Last evaluated: 2025-04-03. Review status: criteria provided, single submitter. Criteria: Ambry Variant Classification Scheme 2023. Collection method: clinical testing. Allele origin: germline.

Greenwood Genetic Center Diagnostic Laboratories, Greenwood Genetic Center
Classification: Uncertain significance. Last evaluated: 2023-08-14. Review status: criteria provided, single submitter. Criteria: ACMG Guidelines, 2015. Collection method: clinical testing. Allele origin: germline. Affected: yes.
Comment: PM2